The following is an entry in ClinVar:

ClinVar aggregate classification (germline): Uncertain significance (1 of 4 stars; one submission).

Conditions:
Inborn genetic diseases. Identifiers: MedGen C0950123, MeSH D030342.

Submission:

Ambry Genetics
Classification: Uncertain significance for Inborn genetic diseases. Last evaluated: 2026-07-18. Review status: criteria provided, single submitter. Criteria: Ambry Variant Classification Scheme 2023. Collection method: clinical testing. Allele origin: germline.
Comment: The p.R727P variant (also known as c.2180G>C), located in coding exon 17 of the BUB1B gene, results from a G to C substitution at nucleotide position 2180. The arginine at codon 727 is replaced by proline, an amino acid with dissimilar properties. This amino acid position is conserved. In addition, the in silico prediction for this alteration is inconclusive. Based on the available evidence, the clinical significance of this variant remains unclear.

NM_001211.6(BUB1B):c.2180G>C (p.Arg727Pro)

Gene: BUB1B (BUB1 mitotic checkpoint serine/threonine kinase B; plus strand). Cytogenetic location: 15q15.1.
Variant type: single nucleotide variant.
Coding change: c.2180G>C on transcript NM_001211.6 (MANE Select); coding-DNA position 2180, G replaced by C.
Protein change: p.Arg727Pro; replaces arginine 727 with proline.
Molecular consequence: missense variant.
Genome position (GRCh38, 1-based): chr15:40,209,671, G>C. VCF-style: chr15-40209671-G-C. GRCh37 (hg19) VCF-style: chr15-40501872-G-C.
Other names: short protein forms R727P.
Identifiers: ClinVar variation 5033497 (VCV005033497.1).
Genomic context (GRCh38, chr15:40,209,671, plus strand): 5'-TTCACCTTTCCCTCCCACTGGCAGAAAACCCTACTCAGTCACCATGGTGTTCACAGTATC[G>C]CAGACAGCTACTGAAGTCCCTACCAGAGTTAAGTGCCTCTGCAGAGTTGTGTATAGAAGA-3'
Protein context (NP_001202.5, residues 717-737): PTQSPWCSQY[Arg727Pro]RQLLKSLPEL